The following is an entry in ClinVar:

NM_000214.3(JAG1):c.1146C>T (p.Asn382=)

Gene: JAG1 (jagged canonical Notch ligand 1; minus strand). Cytogenetic location: 20p12.2.
Variant type: single nucleotide variant.
Coding change: c.1146C>T on transcript NM_000214.3 (MANE Select); coding-DNA position 1146, C replaced by T.
Protein change: p.Asn382=; no amino-acid change (asparagine 382 retained).
Molecular consequence: synonymous variant.
Genome position (GRCh38, 1-based): chr20:10,650,335, G>A on the plus strand (C>T on the coding strand, the complement: JAG1 is on the minus strand). VCF-style: chr20-10650335-G-A. GRCh37 (hg19) VCF-style: chr20-10630983-G-A.
Other names: c.1146C>T, p.Asn382= (LRG_1191t1).
Identifiers: ClinVar variation 290132 (VCV000290132.41), dbSNP rs200133928, ClinGen allele CA9764966.

ClinVar aggregate classification (germline): Conflicting classifications of pathogenicity. Review status: criteria provided, conflicting classifications (1 of 4 stars). 7 submissions from 7 submitters: Uncertain significance (1); Likely benign (5). 1 of the submissions does not count toward it. Last evaluated 2026-06-01.

Conditions:
JAG1-related disorder. Also called: JAG1-related condition; JAG1-related disorders.
Cardiovascular phenotype. Identifiers: MedGen CN230736.
Alagille syndrome due to a JAG1 point mutation. Also called: JAG1-Related Alagille Syndrome; Alagille Syndrome 1; HEPATIC DUCTULAR HYPOPLASIA, SYNDROMATIC. Identifiers: Orphanet 261619, Orphanet 52, MedGen C1956125, MONDO:0016862, OMIM 118450.

Allele frequency attached by ClinVar (database versions not stated): gnomAD 0.00009 and 0.00011; gnomAD exomes 0.00009 and 0.00013; ESP Exome Variant Server 0.00015; TOPMed 0.00015; ExAC 0.00016; 1000 Genomes Project 30x 0.00031; 1000 Genomes Project 0.00040.
gnomAD v4.1: 163 of 1,611,818 alleles (0.01%); highest among the groups gnomAD compares: Middle Eastern, 0.12%; 1 homozygote.

Submissions (7):

CeGaT Center for Human Genetics Tuebingen
Classification: Likely benign. Last evaluated: 2026-06-01. Review status: criteria provided, single submitter. Criteria: CeGaT Center For Human Genetics Tuebingen Variant Classification Criteria Version 2. Collection method: clinical testing. Allele origin: germline. Affected: yes. Observed: 2 variant alleles.
Comment: JAG1: BP4, BP7

Labcorp Genetics (formerly Invitae), Labcorp
Classification: Likely benign for Alagille syndrome due to a JAG1 point mutation. Last evaluated: 2025-12-01. Review status: criteria provided, single submitter. Criteria: Invitae Variant Classification Sherloc (09022015). Collection method: clinical testing. Allele origin: germline.

Blueprint Genetics
Classification: Likely benign. Last evaluated: 2024-11-28. Review status: criteria provided, single submitter. Criteria: ACMG Guidelines, 2015. Collection method: clinical testing. Allele origin: germline.

GeneDx
Classification: Likely benign. Last evaluated: 2018-01-26. Review status: criteria provided, single submitter. Criteria: GeneDx Variant Classification (06012015). Collection method: clinical testing. Allele origin: germline. Affected: yes.
Comment: This variant is considered likely benign or benign based on one or more of the following criteria: it is a conservative change, it occurs at a poorly conserved position in the protein, it is predicted to be benign by multiple in silico algorithms, and/or has population frequency not consistent with disease.

Ambry Genetics
Classification: Likely benign for Cardiovascular phenotype. Last evaluated: 2017-03-02. Review status: criteria provided, single submitter. Criteria: Ambry Variant Classification Scheme 2023. Collection method: clinical testing. Allele origin: germline.

Eurofins Ntd Llc (ga)
Classification: Uncertain significance. Last evaluated: 2016-08-09. Review status: criteria provided, single submitter. Criteria: EGL Classification Definitions 2015. Collection method: clinical testing. Allele origin: germline. Observed: 2 variant alleles, 2 heterozygotes.

PreventionGenetics, part of Exact Sciences
Classification: Likely benign for JAG1-related condition. Last evaluated: 2021-05-04. Review status: no assertion criteria provided. Collection method: clinical testing. Allele origin: germline. Not counted in ClinVar's aggregate classification.
Comment: This variant is classified as likely benign based on ACMG/AMP sequence variant interpretation guidelines (Richards et al. 2015 PMID: 25741868, with internal and published modifications).